The following is an entry in ClinVar:

NM_014714.4(IFT140):c.4089C>T (p.Leu1363=)

Gene: IFT140 (intraflagellar transport 140; minus strand). Cytogenetic location: 16p13.3.
Variant type: single nucleotide variant.
Coding change: c.4089C>T on transcript NM_014714.4 (MANE Select); coding-DNA position 4089, C replaced by T.
Protein change: p.Leu1363=; no amino-acid change (leucine 1363 retained).
Molecular consequence: synonymous variant.
Genome position (GRCh38, 1-based): chr16:1,518,309, G>A on the plus strand (C>T on the coding strand, the complement: IFT140 is on the minus strand). VCF-style: chr16-1518309-G-A. GRCh37 (hg19) VCF-style: chr16-1568310-G-A.
Other names: p.Leu1363=.
Identifiers: ClinVar variation 4684039 (VCV004684039.1).

ClinVar aggregate classification (germline): Likely benign (1 of 4 stars; one submission).

gnomAD v4.1: 1 of 1,614,060 alleles (0.000062%); highest among the groups gnomAD compares: Non-Finnish European, 0.000085%; no homozygotes.

Submission:

Mayo Clinic Laboratories, Mayo Clinic
Classification: Likely benign. Last evaluated: 2025-03-04. Review status: criteria provided, single submitter. Criteria: ACMG Guidelines, 2015. Collection method: clinical testing. Allele origin: germline. Observed: 1 variant allele.
Comment: BP4, BP7, PM2_supporting